The following is an entry in ClinVar:

NM_138694.4(PKHD1):c.9600dup (p.Arg3201Ter)

Gene: PKHD1 (PKHD1 ciliary IPT domain containing fibrocystin/polyductin; minus strand). Cytogenetic location: 6p12.3.
Variant type: Duplication.
Coding change: c.9600dup on transcript NM_138694.4 (MANE Select); coding-DNA position 9600, one base duplicated (T; older notation c.9600dupT).
Protein change: p.Arg3201Ter; replaces arginine 3201 with a stop codon.
Molecular consequence: nonsense.
Genome position (GRCh38, 1-based): chr6:51,748,016, A duplicated on the plus strand (T on the coding strand, the reverse complement: PKHD1 is on the minus strand); the first of 2 consecutive A bases (chr6:51,748,016-51,748,017); duplicating either gives the same sequence. VCF-style (leftmost placement, unchanged base first): chr6-51748015-T-TA. GRCh37 (hg19) VCF-style: chr6-51612813-T-TA.
Other names: c.9600dup, p.Arg3201Ter (NM_170724.3); short protein forms R3201*.
Identifiers: ClinVar variation 4871702 (VCV004871702.1).

ClinVar aggregate classification (germline): Pathogenic (1 of 4 stars; one submission).

Conditions:
Polycystic kidney disease 4 (PKD4). Also called: PKD3; Autosomal Recessive Polycystic Kidney Disease – PKHD1; POLYCYSTIC KIDNEY AND HEPATIC DISEASE 1; POLYCYSTIC KIDNEY DISEASE, INFANTILE, TYPE I; POLYCYSTIC KIDNEY DISEASE 4 WITH OR WITHOUT POLYCYSTIC LIVER DISEASE. Identifiers: MedGen C4540575, MONDO:0033004, OMIM 263200.

Submission:

Centro Nacional de Genética Medica, Administración Nacional de Laboratorios e Institutos de Salud (ANLIS) “Dr. Carlos G Malbrán”
Classification: Pathogenic for Polycystic kidney disease 4. Last evaluated: 2025-09-09. Review status: criteria provided, single submitter. Criteria: ACMG Guidelines, 2015. Collection method: clinical testing. Allele origin: germline. Affected: yes. Observed: 1 variant allele.
Comment: The variant PKHD1:c.9600dup of the canonical transcript NM_138694.4 was found in heterozygosity (Exon 58/67) within the canonical transcript NM_138694.4. This variant consists of the duplication of an adenine at codon 3201, resulting in the formation of a premature stop codon, which generally leads to the deletion of messenger RNA through the NMD process (PMID: 16757948; PMID: 17352659). Loss-of-function variants are a frequent mechanism of pathogenicity in the PKHD1 gene, with 1215 pathogenic and probably pathogenic variants reported (PVS1). The variant is not found in population databases such as GnomAD, ExAc, or 1000 Genomes (PM2_Supporting). The patient's phenotype is highly specific for PKD4 syndrome, and the variant found in the PKHD1 gene could explain it (PP4).

Literature cited by the submitters: PubMed 16757948; PubMed 17352659.